The following is an entry in ClinVar:

ClinVar aggregate classification (germline): Uncertain significance (1 of 4 stars; one submission).

Conditions:
Duchenne muscular dystrophy (DMD). Also called: MUSCULAR DYSTROPHY, PSEUDOHYPERTROPHIC PROGRESSIVE, DUCHENNE TYPE; Duchenne Muscular Dystrophy (DMD). Identifiers: Orphanet 98896, MedGen C0013264, MONDO:0010679, OMIM 310200.

Submission:

Labcorp Genetics (formerly Invitae), Labcorp
Classification: Uncertain significance for Duchenne muscular dystrophy. Last evaluated: 2024-11-03. Review status: criteria provided, single submitter. Criteria: Invitae Variant Classification Sherloc (09022015). Collection method: clinical testing. Allele origin: germline.
Comment: This sequence change falls in intron 50 of the DMD gene. It does not directly change the encoded amino acid sequence of the DMD protein. This variant is not present in population databases (gnomAD no frequency). This variant has not been reported in the literature in individuals affected with DMD-related conditions. Algorithms developed to predict the effect of sequence changes on RNA splicing suggest that this variant may disrupt the consensus splice site. In summary, the available evidence is currently insufficient to determine the role of this variant in disease. Therefore, it has been classified as a Variant of Uncertain Significance.

NM_004006.3(DMD):c.7310-16A>G

Gene: DMD (dystrophin; minus strand). Cytogenetic location: Xp21.1.
Variant type: single nucleotide variant.
Coding change: c.7310-16A>G on transcript NM_004006.3 (MANE Select); 16 bases into the intron before coding-DNA position 7310, A replaced by G.
Molecular consequence: intron variant.
Genome position (GRCh38, 1-based): chrX:31,774,208, T>C on the plus strand (A>G on the coding strand, the complement: DMD is on the minus strand). VCF-style: chrX-31774208-T-C. GRCh37 (hg19) VCF-style: chrX-31792325-T-C.
Other names: c.7286-16A>G (NM_000109.4); c.3287-16A>G (NM_004011.4); c.3278-16A>G (NM_004012.4); c.-71-16A>G (NM_004023.3, NM_004020.4, NM_004022.3 and 2 more transcripts); c.7298-16A>G (NM_004009.3); c.6941-16A>G (NM_004010.3).
Identifiers: ClinVar variation 3710226 (VCV003710226.2).